The following is an entry in ClinVar:

ClinVar aggregate classification (germline): Conflicting classifications of pathogenicity. Review status: criteria provided, conflicting classifications (1 of 4 stars). 3 submissions from 3 submitters: Pathogenic (1); Uncertain significance (2). Last evaluated 2025-09-16.

Conditions:
Polycystic kidney disease, adult type (PKD1). Also called: Polycystic Kidney Disease 1, Autosomal Dominant; Polycystic kidney disease 1; Polycystic kidney disease 1, severe; Polycystic Kidney, Autosomal Dominant; POLYCYSTIC KIDNEY DISEASE, ADULT, TYPE I; POLYCYSTIC KIDNEY DISEASE 1 WITH OR WITHOUT POLYCYSTIC LIVER DISEASE. Identifiers: MedGen C3149841, MONDO:0008263, OMIM 173900.

Submissions (3):

Women's Health and Genetics/Laboratory Corporation of America, LabCorp
Classification: Uncertain significance. Last evaluated: 2025-09-16. Review status: criteria provided, single submitter. Criteria: LabCorp Variant Classification Summary - May 2015. Collection method: clinical testing. Allele origin: germline.
Comment: Variant summary: PKD1 c.464G>A (p.Cys155Tyr) results in a non-conservative amino acid change in the encoded protein sequence. Algorithms developed to predict the effect of missense changes on protein structure and function are either unavailable or do not agree on the potential impact of this missense change. The variant was absent in 1470974 control chromosomes. c.464G>A has been observed in individual(s) affected with Polycystic Kidney Disease 1 (e.g. Audrezet_2012, Eisenberger_2015, Liu_2015). These data indicate that the variant may be associated with disease. To our knowledge, no experimental evidence demonstrating an impact on protein function has been reported. The following publications have been ascertained in the context of this evaluation (PMID: 22508176, 23431072, 25646624, 26632257). ClinVar contains an entry for this variant (Variation ID: 3579835). Based on the evidence outlined above, the variant was classified as VUS-possibly pathogenic.

Fulgent Genetics
Classification: Pathogenic for Polycystic kidney disease, adult type. Last evaluated: 2024-01-09. Review status: criteria provided, single submitter. Criteria: ACMG Guidelines, 2015. Collection method: clinical testing. Allele origin: germline.

Department of Pathology and Laboratory Medicine, Sinai Health System
Classification: Uncertain significance for Polycystic kidney disease, adult type. Last evaluated: 2023-03-01. Review status: criteria provided, single submitter. Criteria: ACMG Guidelines, 2015. Collection method: clinical testing. Allele origin: germline. Affected: yes.

Literature cited by the submitters: PubMed 25646624 (cited by Women's Health and Genetics/Laboratory Corporation of America, LabCorp); PubMed 23431072 (cited by Women's Health and Genetics/Laboratory Corporation of America, LabCorp); PubMed 22508176 (cited by Women's Health and Genetics/Laboratory Corporation of America, LabCorp and Department of Pathology and Laboratory Medicine, Sinai Health System); PubMed 26632257 (cited by Women's Health and Genetics/Laboratory Corporation of America, LabCorp).

NM_001009944.3(PKD1):c.464G>A (p.Cys155Tyr)

Gene: PKD1 (polycystin 1, transient receptor potential channel interacting; minus strand). Cytogenetic location: 16p13.3.
Variant type: single nucleotide variant.
Coding change: c.464G>A on transcript NM_001009944.3 (MANE Select); coding-DNA position 464, G replaced by A.
Protein change: p.Cys155Tyr; replaces cysteine 155 with tyrosine.
Molecular consequence: missense variant.
Genome position (GRCh38, 1-based): chr16:2,118,741, C>T on the plus strand (G>A on the coding strand, the complement: PKD1 is on the minus strand). VCF-style: chr16-2118741-C-T. GRCh37 (hg19) VCF-style: chr16-2168742-C-T.
Other names: c.464G>A, p.Cys155Tyr (NM_000296.4); short protein forms C155Y.
Identifiers: ClinVar variation 3579835 (VCV003579835.3).
Genomic context (GRCh38, chr16:2,118,741, plus strand): 5'-CCACTGTCCAGCAAGGGGATGCCAAGCAGAGGCTGGCCAGCCAGGGAGCCAGGCCCAGCA[C>T]ACGTGGCTGCCTCGGGCTGCACCACCCGCACCTGCTGCTCCTCCGCCCATCGCGGCAGCC-3'
Protein context (NP_001009944.3, residues 145-165): VRVVQPEAAT[Cys155Tyr]AGPGSLAGQP